The following is an entry in ClinVar:

NM_000016.6(ACADM):c.217-2A>G

Gene: ACADM (acyl-CoA dehydrogenase medium chain; plus strand). Cytogenetic location: 1p31.1.
Variant type: single nucleotide variant.
Coding change: c.217-2A>G on transcript NM_000016.6 (MANE Select); the canonical splice acceptor site of the intron before coding-DNA position 217, A replaced by G.
Molecular consequence: splice acceptor variant.
Genome position (GRCh38, 1-based): chr1:75,732,851, A>G. VCF-style: chr1-75732851-A-G. GRCh37 (hg19) VCF-style: chr1-76198536-A-G.
Other names: c.229-2A>G (NM_001127328.3); c.217-2A>G (NM_001286043.2); c.109-2A>G (NM_001286042.2); c.-169-2A>G (NM_001286044.2).
Identifiers: ClinVar variation 1066760 (VCV001066760.12), dbSNP rs1647169738, ClinGen allele CA340809693.

ClinVar aggregate classification (germline): Pathogenic/Likely pathogenic. Review status: criteria provided, multiple submitters, no conflicts (2 of 4 stars). 4 submissions from 4 submitters: Pathogenic (1); Likely pathogenic (2). 1 of the submissions does not count toward it. Last evaluated 2024-05-30.

Conditions:
Medium-chain acyl-coenzyme A dehydrogenase deficiency (ACADMD). Also called: MCADH DEFICIENCY; MCADD; MCAD Deficiency; ACADM DEFICIENCY; CARNITINE DEFICIENCY SECONDARY TO MEDIUM-CHAIN ACYL-CoA DEHYDROGENASE DEFICIENCY; Medium chain acyl-CoA dehydrogenase deficiency. Identifiers: Orphanet 42, MedGen C0220710, MONDO:0008721, OMIM 201450.

Submissions (4):

Fulgent Genetics
Classification: Likely pathogenic for Medium-chain acyl-coenzyme A dehydrogenase deficiency. Last evaluated: 2024-05-30. Review status: criteria provided, single submitter. Criteria: ACMG Guidelines, 2015. Collection method: clinical testing. Allele origin: germline.

Baylor Genetics
Classification: Likely pathogenic for Medium-chain acyl-coenzyme A dehydrogenase deficiency. Last evaluated: 2023-09-19. Review status: criteria provided, single submitter. Criteria: ACMG Guidelines, 2015. Collection method: clinical testing. Allele origin: unknown.

Labcorp Genetics (formerly Invitae), Labcorp
Classification: Pathogenic for Medium-chain acyl-coenzyme A dehydrogenase deficiency. Last evaluated: 2023-05-30. Review status: criteria provided, single submitter. Criteria: Invitae Variant Classification Sherloc (09022015). Collection method: clinical testing. Allele origin: germline.
Comment: Algorithms developed to predict the effect of sequence changes on RNA splicing suggest that this variant may disrupt the consensus splice site. This sequence change affects an acceptor splice site in intron 3 of the ACADM gene. It is expected to disrupt RNA splicing. Variants that disrupt the donor or acceptor splice site typically lead to a loss of protein function (PMID: 16199547), and loss-of-function variants in ACADM are known to be pathogenic (PMID: 16121256, 20434380). This variant is not present in population databases (gnomAD no frequency). Disruption of this splice site has been observed in individuals with medium-chain acyl-CoA dehydrogenase deficiency (PMID: 15171999; Invitae). ClinVar contains an entry for this variant (Variation ID: 1066760). For these reasons, this variant has been classified as Pathogenic.

Natera, Inc.
Classification: Likely pathogenic for Medium Chain Acyl-CoA Dehydrogenase Deficiency. Last evaluated: 2019-02-19. Review status: no assertion criteria provided. Collection method: clinical testing. Allele origin: germline. Not counted in ClinVar's aggregate classification.

Literature cited by the submitters: PubMed 16199547 (cited by Labcorp Genetics (formerly Invitae), Labcorp); PubMed 16121256 (cited by Labcorp Genetics (formerly Invitae), Labcorp); PubMed 20434380 (cited by Labcorp Genetics (formerly Invitae), Labcorp); PubMed 15171999 (cited by Labcorp Genetics (formerly Invitae), Labcorp).